The following is an entry in ClinVar:

ClinVar aggregate classification (germline): Uncertain significance (1 of 4 stars; one submission).

gnomAD v4.1: 2 of 1,614,194 alleles (0.00012%); highest among the groups gnomAD compares: Non-Finnish European, 0.00017%; no homozygotes.

Submission:

GeneDx
Classification: Uncertain significance. Last evaluated: 2023-05-11. Review status: criteria provided, single submitter. Criteria: GeneDx Variant Classification Process June 2021. Collection method: clinical testing. Allele origin: germline. Affected: yes.
Comment: Not observed at significant frequency in large population cohorts (gnomAD); In silico analysis supports that this missense variant does not alter protein structure/function; Has not been previously published as pathogenic or benign to our knowledge

NM_015001.3(SPEN):c.4731A>C (p.Gln1577His)

Gene: SPEN (spen family transcriptional repressor; plus strand). Cytogenetic location: 1p36.13.
Variant type: single nucleotide variant.
Coding change: c.4731A>C on transcript NM_015001.3 (MANE Select); coding-DNA position 4731, A replaced by C.
Protein change: p.Gln1577His; replaces glutamine 1577 with histidine.
Molecular consequence: missense variant.
Genome position (GRCh38, 1-based): chr1:15,930,971, A>C. VCF-style: chr1-15930971-A-C. GRCh37 (hg19) VCF-style: chr1-16257466-A-C.
Other names: short protein forms Q1577H.
Identifiers: ClinVar variation 3343246 (VCV003343246.1).